The following is an entry in ClinVar:

NM_000368.5(TSC1):c.673G>T (p.Glu225Ter)

Gene: TSC1 (TSC complex subunit 1; minus strand). Cytogenetic location: 9q34.13.
Variant type: single nucleotide variant.
Coding change: c.673G>T on transcript NM_000368.5 (MANE Select); coding-DNA position 673, G replaced by T.
Protein change: p.Glu225Ter; replaces glutamic acid 225 with a stop codon.
Molecular consequence: nonsense. On other transcripts: 5 prime UTR variant (1), non-coding transcript variant (5), intron variant (4).
Genome position (GRCh38, 1-based): chr9:132,921,427, C>A on the plus strand (G>T on the coding strand, the complement: TSC1 is on the minus strand). VCF-style: chr9-132921427-C-A. GRCh37 (hg19) VCF-style: chr9-135796814-C-A.
Other names: c.673G>T, p.Glu225Ter (NM_001406600.1, NM_001406601.1, NM_001406602.1 and 16 more transcripts); c.520G>T, p.Glu174Ter (NM_001162427.2, NM_001406610.1, NM_001406611.1 and 2 more transcripts); c.310G>T, p.Glu104Ter (NM_001362177.2, NM_001406614.1, NM_001406615.1 and 10 more transcripts); c.-421G>T (NM_001406630.1); c.-215+392G>T (NM_001406627.1, NM_001406628.1, NM_001406626.1); c.-357+392G>T (NM_001406629.1); short protein forms E174*, E104*, E225*.
Identifiers: ClinVar variation 2838605 (VCV002838605.3), dbSNP rs572899352, ClinGen allele CA375371498.

ClinVar aggregate classification (germline): Pathogenic (1 of 4 stars; one submission).

Conditions:
Tuberous sclerosis 1 (TSC1). Identifiers: Orphanet 805, MedGen C1854465, MONDO:0008612, OMIM 191100.

Submission:

Labcorp Genetics (formerly Invitae), Labcorp
Classification: Pathogenic for Tuberous sclerosis 1. Last evaluated: 2023-02-18. Review status: criteria provided, single submitter. Criteria: Invitae Variant Classification Sherloc (09022015). Collection method: clinical testing. Allele origin: germline.
Comment: For these reasons, this variant has been classified as Pathogenic. Algorithms developed to predict the effect of sequence changes on RNA splicing suggest that this variant may disrupt the consensus splice site. This variant has not been reported in the literature in individuals affected with TSC1-related conditions. This variant is not present in population databases (gnomAD no frequency). This sequence change creates a premature translational stop signal (p.Glu225*) in the TSC1 gene. It is expected to result in an absent or disrupted protein product. Loss-of-function variants in TSC1 are known to be pathogenic (PMID: 10227394, 17304050).

Literature cited by the submitters: PubMed 10227394; PubMed 17304050.